The following is an entry in ClinVar:

ClinVar aggregate classification (germline): Uncertain significance. Review status: criteria provided, multiple submitters, no conflicts (2 of 4 stars). 3 submissions from 3 submitters: Uncertain significance (3). Last evaluated 2025-06-11.

Conditions:
Inborn genetic diseases. Identifiers: MedGen C0950123, MeSH D030342.

Submissions (3):

Labcorp Genetics (formerly Invitae), Labcorp
Classification: Uncertain significance. Last evaluated: 2025-06-11. Review status: criteria provided, single submitter. Criteria: Invitae Variant Classification Sherloc (09022015). Collection method: clinical testing. Allele origin: germline.
Comment: This sequence change replaces alanine, which is neutral and non-polar, with glycine, which is neutral and non-polar, at codon 24 of the CACNA1D protein (p.Ala24Gly). This variant is not present in population databases (gnomAD no frequency). This variant has not been reported in the literature in individuals affected with CACNA1D-related conditions. ClinVar contains an entry for this variant (Variation ID: 3007807). An algorithm developed to predict the effect of missense changes on protein structure and function (PolyPhen-2) suggests that this variant is likely to be tolerated. In summary, the available evidence is currently insufficient to determine the role of this variant in disease. Therefore, it has been classified as a Variant of Uncertain Significance.

Ambry Genetics
Classification: Uncertain significance for Inborn genetic diseases. Last evaluated: 2025-02-07. Review status: criteria provided, single submitter. Criteria: Ambry Variant Classification Scheme 2023. Collection method: clinical testing. Allele origin: germline.

Blueprint Genetics
Classification: Uncertain significance. Last evaluated: 2023-12-29. Review status: criteria provided, single submitter. Criteria: ACMG Guidelines, 2015. Collection method: clinical testing. Allele origin: germline.

NM_001128840.3(CACNA1D):c.71C>G (p.Ala24Gly)

Gene: CACNA1D (calcium voltage-gated channel subunit alpha1 D; plus strand). Cytogenetic location: 3p21.1.
Variant type: single nucleotide variant.
Coding change: c.71C>G on transcript NM_001128840.3 (MANE Select); coding-DNA position 71, C replaced by G.
Protein change: p.Ala24Gly; replaces alanine 24 with glycine.
Molecular consequence: missense variant.
Genome position (GRCh38, 1-based): chr3:53,497,155, C>G. VCF-style: chr3-53497155-C-G. GRCh37 (hg19) VCF-style: chr3-53531182-C-G.
Other names: c.71C>G, p.Ala24Gly (NM_000720.4, NM_001128839.3); c.71C>G (NM_000720.2); short protein forms A24G.
Identifiers: ClinVar variation 3007807 (VCV003007807.5), dbSNP rs917022424, ClinGen allele CA75053224.